The following is an entry in ClinVar:

ClinVar aggregate classification (germline): Uncertain significance (1 of 4 stars; one submission).

Conditions:
Cardiovascular phenotype. Identifiers: MedGen CN230736.

gnomAD v4.1: 1 of 1,614,102 alleles (0.000062%); highest among the groups gnomAD compares: Non-Finnish European, 0.000085%; no homozygotes.

Submission:

Ambry Genetics
Classification: Uncertain significance for Cardiovascular phenotype. Last evaluated: 2025-06-15. Review status: criteria provided, single submitter. Criteria: Ambry Variant Classification Scheme 2023. Collection method: clinical testing. Allele origin: germline.
Comment: The p.D478N variant (also known as c.1432G>A), located in coding exon 11 of the TRPM4 gene, results from a G to A substitution at nucleotide position 1432. The aspartic acid at codon 478 is replaced by asparagine, an amino acid with highly similar properties. This amino acid position is conserved. In addition, this alteration is predicted to be tolerated by in silico analysis. Based on the available evidence, the clinical significance of this variant remains unclear.

NM_017636.4(TRPM4):c.1432G>A (p.Asp478Asn)

Gene: TRPM4 (transient receptor potential cation channel subfamily M member 4; plus strand). Cytogenetic location: 19q13.33.
Variant type: single nucleotide variant.
Coding change: c.1432G>A on transcript NM_017636.4 (MANE Select); coding-DNA position 1432, G replaced by A.
Protein change: p.Asp478Asn; replaces aspartic acid 478 with asparagine.
Molecular consequence: missense variant. On other transcripts: 5 prime UTR variant (1).
Genome position (GRCh38, 1-based): chr19:49,182,746, G>A. VCF-style: chr19-49182746-G-A. GRCh37 (hg19) VCF-style: chr19-49686003-G-A.
Other names: c.1432G>A, p.Asp478Asn (NM_001195227.2); c.1087G>A, p.Asp363Asn (NM_001321281.2); c.-122G>A (NM_001321282.2); c.910G>A, p.Asp304Asn (NM_001321283.2); c.370G>A, p.Asp124Asn (NM_001321285.2); short protein forms D304N, D363N, D478N, D124N.
Identifiers: ClinVar variation 4191747 (VCV004191747.1).